The following is an entry in ClinVar:

NM_014140.4(SMARCAL1):c.761A>C (p.Tyr254Ser)

Gene: SMARCAL1 (SNF2 related chromatin remodeling annealing helicase 1; plus strand). Cytogenetic location: 2q35.
Variant type: single nucleotide variant.
Coding change: c.761A>C on transcript NM_014140.4 (MANE Select); coding-DNA position 761, A replaced by C.
Protein change: p.Tyr254Ser; replaces tyrosine 254 with serine.
Molecular consequence: missense variant.
Genome position (GRCh38, 1-based): chr2:216,415,465, A>C. VCF-style: chr2-216415465-A-C. GRCh37 (hg19) VCF-style: chr2-217280188-A-C.
Other names: c.761A>C, p.Tyr254Ser (NM_001127207.2); short protein forms Y254S.
Identifiers: ClinVar variation 1422019 (VCV001422019.8), dbSNP rs368040473, ClinGen allele CA65578473.

ClinVar aggregate classification (germline): Uncertain significance (1 of 4 stars; one submission).

Conditions:
Schimke immuno-osseous dysplasia (SIOD). Also called: Schimke Immunoosseous Dysplasia. Identifiers: Orphanet 1830, MedGen C0877024, MONDO:0009458, OMIM 242900.

Allele frequency attached by ClinVar (database versions not stated): ESP Exome Variant Server 0.00008.
gnomAD v4.1: 1 of 1,614,194 alleles (0.000062%); highest among the groups gnomAD compares: Non-Finnish European, 0.000085%; no homozygotes.

Submission:

Labcorp Genetics (formerly Invitae), Labcorp
Classification: Uncertain significance for Schimke immuno-osseous dysplasia. Last evaluated: 2023-10-13. Review status: criteria provided, single submitter. Criteria: Invitae Variant Classification Sherloc (09022015). Collection method: clinical testing. Allele origin: germline.
Comment: This sequence change replaces tyrosine, which is neutral and polar, with serine, which is neutral and polar, at codon 254 of the SMARCAL1 protein (p.Tyr254Ser). This variant is not present in population databases (gnomAD no frequency). This variant has not been reported in the literature in individuals affected with SMARCAL1-related conditions. ClinVar contains an entry for this variant (Variation ID: 1422019). Advanced modeling of protein sequence and biophysical properties (such as structural, functional, and spatial information, amino acid conservation, physicochemical variation, residue mobility, and thermodynamic stability) performed at Invitae indicates that this missense variant is not expected to disrupt SMARCAL1 protein function. In summary, the available evidence is currently insufficient to determine the role of this variant in disease. Therefore, it has been classified as a Variant of Uncertain Significance.